The following is an entry in ClinVar:

NM_001353921.2(ARHGEF9):c.403-4A>C

Gene: ARHGEF9 (Cdc42 guanine nucleotide exchange factor 9; minus strand). Cytogenetic location: Xq11.1.
Variant type: single nucleotide variant.
Coding change: c.403-4A>C on transcript NM_001353921.2 (MANE Select); 4 bases into the intron before coding-DNA position 403, A replaced by C.
Molecular consequence: intron variant.
Genome position (GRCh38, 1-based): chrX:63,697,308, T>G on the plus strand (A>C on the coding strand, the complement: ARHGEF9 is on the minus strand). VCF-style: chrX-63697308-T-G. GRCh37 (hg19) VCF-style: chrX-62917188-T-G.
Other names: c.223-4A>C (NM_001173479.2); c.403-4A>C (NM_001353922.2); c.319-4A>C (NM_001369043.1, NM_001330495.2, NM_001369038.1 and 8 more transcripts); c.421-4A>C (NM_001353923.1); c.202-4A>C (NM_001369040.1, NM_001369039.1, NM_001353926.2 and 1 more transcripts); c.382-4A>C (NM_001369031.1, NM_001369030.1, NM_001369032.1 and 2 more transcripts); c.-33-4A>C (NM_001369045.1); c.76-4A>C (NM_001173480.2, NM_001369042.1).
Identifiers: ClinVar variation 2463274 (VCV002463274.24), dbSNP rs782816426, ClinGen allele CA10431945.

ClinVar aggregate classification (germline): Likely benign. Review status: criteria provided, multiple submitters, no conflicts (2 of 4 stars). 2 submissions from 2 submitters: Likely benign (2). Last evaluated 2024-02-01.

Conditions:
Inborn genetic diseases. Identifiers: MedGen C0950123, MeSH D030342.

Allele frequency attached by ClinVar (database versions not stated): ExAC 0.00001; gnomAD 0.00001; TOPMed 0.00001.
gnomAD v4.1: 48 of 1,208,604 alleles (0.004%); highest among the groups gnomAD compares: Non-Finnish European, 0.005%; no homozygotes.

Submissions (2):

CeGaT Center for Human Genetics Tuebingen
Classification: Likely benign. Last evaluated: 2024-02-01. Review status: criteria provided, single submitter. Criteria: CeGaT Center For Human Genetics Tuebingen Variant Classification Criteria Version 2. Collection method: clinical testing. Allele origin: germline. Affected: yes. Observed: 1 variant allele.
Comment: ARHGEF9: BP4

Ambry Genetics
Classification: Likely benign for Inborn genetic diseases. Last evaluated: 2023-03-09. Review status: criteria provided, single submitter. Criteria: Ambry Variant Classification Scheme 2023. Collection method: clinical testing. Allele origin: germline.